The following is an entry in ClinVar:

NM_000702.4(ATP1A2):c.205G>A (p.Val69Ile)

Gene: ATP1A2 (ATPase Na+/K+ transporting subunit alpha 2; plus strand). Cytogenetic location: 1q23.2.
Variant type: single nucleotide variant.
Coding change: c.205G>A on transcript NM_000702.4 (MANE Select); coding-DNA position 205, G replaced by A.
Protein change: p.Val69Ile; replaces valine 69 with isoleucine.
Molecular consequence: missense variant.
Genome position (GRCh38, 1-based): chr1:160,123,240, G>A. VCF-style: chr1-160123240-G-A. GRCh37 (hg19) VCF-style: chr1-160093030-G-A.
Other names: short protein forms V69I.
Identifiers: ClinVar variation 381935 (VCV000381935.17), dbSNP rs558323868, ClinGen allele CA1194143.

ClinVar aggregate classification (germline): Conflicting classifications of pathogenicity. Review status: criteria provided, conflicting classifications (1 of 4 stars). 6 submissions from 6 submitters: Uncertain significance (5); Likely benign (1). Last evaluated 2025-10-27.

Conditions:
Familial hemiplegic migraine. Identifiers: MedGen C0338484, MONDO:0000700.

Allele frequency attached by ClinVar (database versions not stated): TOPMed 0.00003; gnomAD 0.00004 and 0.00005; ExAC 0.00005; gnomAD exomes 0.00006; 1000 Genomes Project 0.00020; 1000 Genomes Project 30x 0.00031.

Submissions (6):

Labcorp Genetics (formerly Invitae), Labcorp
Classification: Uncertain significance for Familial hemiplegic migraine. Last evaluated: 2025-10-27. Review status: criteria provided, single submitter. Criteria: Invitae Variant Classification Sherloc (09022015). Collection method: clinical testing. Allele origin: germline.
Comment: This sequence change replaces valine, which is neutral and non-polar, with isoleucine, which is neutral and non-polar, at codon 69 of the ATP1A2 protein (p.Val69Ile). This variant is present in population databases (rs558323868, gnomAD 0.009%). This missense change has been observed in individual(s) with developmental delay and autism (PMID: 33057194, 35982159). This variant is also known as g.160093030G>A. ClinVar contains an entry for this variant (Variation ID: 381935). Invitae Evidence Modeling of protein sequence and biophysical properties (such as structural, functional, and spatial information, amino acid conservation, physicochemical variation, residue mobility, and thermodynamic stability) indicates that this missense variant is not expected to disrupt ATP1A2 protein function with a negative predictive value of 95%. In summary, the available evidence is currently insufficient to determine the role of this variant in disease. Therefore, it has been classified as a Variant of Uncertain Significance.

Revvity Omics, Revvity
Classification: Uncertain significance. Last evaluated: 2025-02-24. Review status: criteria provided, single submitter. Criteria: ACMG Guidelines, 2015. Collection method: clinical testing. Allele origin: germline.

Blueprint Genetics
Classification: Likely benign. Last evaluated: 2024-11-05. Review status: criteria provided, single submitter. Criteria: ACMG Guidelines, 2015. Collection method: clinical testing. Allele origin: germline.

Women's Health and Genetics/Laboratory Corporation of America, LabCorp
Classification: Uncertain significance. Last evaluated: 2024-02-23. Review status: criteria provided, single submitter. Criteria: LabCorp Variant Classification Summary - May 2015. Collection method: clinical testing. Allele origin: germline.
Comment: Variant summary: ATP1A2 c.205G>A (p.Val69Ile) results in a conservative amino acid change located in the Cation-transporting P-type ATPase, N-terminal domain (IPR004014) of the encoded protein sequence. Five of five in-silico tools predict a benign effect of the variant on protein function. The variant allele was found at a frequency of 4.5e-05 in 1614180 control chromosomes (gnomAD). c.205G>A has been reported in the literature in at-least one individual affected with autism (example: Kaplanis_2020, and Zhou_2022) . These report(s) do not provide unequivocal conclusions about association of the variant with Alternating Hemiplegia Of Childhood 1. To our knowledge, no experimental evidence demonstrating an impact on protein function has been reported. The following publications have been ascertained in the context of this evaluation (PMID: 33057194, 35982159). ClinVar contains an entry for this variant (Variation ID: 381935). Based on the evidence outlined above, the variant was classified as uncertain significance.

GeneDx
Classification: Uncertain significance. Last evaluated: 2016-06-23. Review status: criteria provided, single submitter. Criteria: GeneDx Variant Classification (06012015). Collection method: clinical testing. Allele origin: germline. Affected: yes.
Comment: A variant of uncertain significance has been identified in the ATP1A2 gene. The V69I variant has not been published as a pathogenic variant, nor has it been reported as a benign variant to our knowledge. It was not observed in approximately 6,500 individuals of European and African American ancestry in the NHLBI Exome Sequencing Project and was not observed with any significant frequency in the 1000 Genomes Project. The V69I variant is a conservative amino acid substitution, which is not likely to impact secondary protein structure as these residues share similar properties. This substitution occurs at a position where amino acids with similar properties to Valine are tolerated across species. Additionally, in silico analysis predicts this variant likely does not alter the protein structure/function. Based on the currently available information, it is unclear whether this variant is a pathogenic variant or a rare benign variant.

Breakthrough Genomics
Classification: Uncertain significance. Review status: criteria provided, single submitter. Criteria: ACMG Guidelines, 2015. Collection method: not provided. Allele origin: germline. Inheritance: Autosomal recessive inheritance. Affected: yes.

Literature cited by the submitters: PubMed 33057194 (cited by Labcorp Genetics (formerly Invitae), Labcorp and Women's Health and Genetics/Laboratory Corporation of America, LabCorp); PubMed 35982159 (cited by Labcorp Genetics (formerly Invitae), Labcorp and Women's Health and Genetics/Laboratory Corporation of America, LabCorp).